The following is an entry in ClinVar:

ClinVar aggregate classification (germline): Uncertain significance. Review status: criteria provided, multiple submitters, no conflicts (2 of 4 stars). 2 submissions from 2 submitters: Uncertain significance (2). Last evaluated 2025-03-31.

Conditions:
Hereditary cancer-predisposing syndrome. Also called: Hereditary Cancer Syndrome; Hereditary neoplastic syndrome; Neoplastic Syndromes, Hereditary; Tumor predisposition. Identifiers: Orphanet 140162, MedGen C0027672, MeSH D009386, MONDO:0015356.
EGFR-related lung cancer (EGFR). Identifiers: MedGen CN130014.

gnomAD v4.1: 2 of 1,614,084 alleles (0.00012%); highest among the groups gnomAD compares: African/African-American, 0.0027%; no homozygotes.

Submissions (2):

Ambry Genetics
Classification: Uncertain significance for Hereditary cancer-predisposing syndrome. Last evaluated: 2025-03-31. Review status: criteria provided, single submitter. Criteria: Ambry Variant Classification Scheme 2023. Collection method: clinical testing. Allele origin: germline.
Comment: The p.E922Q variant (also known as c.2764G>C), located in coding exon 23 of the EGFR gene, results from a G to C substitution at nucleotide position 2764. The glutamic acid at codon 922 is replaced by glutamine, an amino acid with highly similar properties. This amino acid position is conserved. In addition, the in silico prediction for this alteration is inconclusive. Based on the available evidence, the clinical significance of this variant remains unclear.

Labcorp Genetics (formerly Invitae), Labcorp
Classification: Uncertain significance for EGFR-related lung cancer. Last evaluated: 2024-11-27. Review status: criteria provided, single submitter. Criteria: Invitae Variant Classification Sherloc (09022015). Collection method: clinical testing. Allele origin: germline.
Comment: This sequence change replaces glutamic acid, which is acidic and polar, with glutamine, which is neutral and polar, at codon 922 of the EGFR protein (p.Glu922Gln). This variant is present in population databases (no rsID available, gnomAD 0.01%). This variant has not been reported in the literature in individuals affected with EGFR-related conditions. ClinVar contains an entry for this variant (Variation ID: 1431290). Invitae Evidence Modeling of protein sequence and biophysical properties (such as structural, functional, and spatial information, amino acid conservation, physicochemical variation, residue mobility, and thermodynamic stability) indicates that this missense variant is not expected to disrupt EGFR protein function with a negative predictive value of 80%. In summary, the available evidence is currently insufficient to determine the role of this variant in disease. Therefore, it has been classified as a Variant of Uncertain Significance.

NM_005228.5(EGFR):c.2764G>C (p.Glu922Gln)

Gene: EGFR (epidermal growth factor receptor; plus strand). Cytogenetic location: 7p11.2.
Variant type: single nucleotide variant.
Coding change: c.2764G>C on transcript NM_005228.5 (MANE Select); coding-DNA position 2764, G replaced by C.
Protein change: p.Glu922Gln; replaces glutamic acid 922 with glutamine.
Molecular consequence: missense variant.
Genome position (GRCh38, 1-based): chr7:55,198,779, G>C. VCF-style: chr7-55198779-G-C. GRCh37 (hg19) VCF-style: chr7-55266472-G-C.
Other names: c.2629G>C, p.Glu877Gln (NM_001346897.2, NM_001346899.2); c.2764G>C, p.Glu922Gln (NM_001346898.2); c.2605G>C, p.Glu869Gln (NM_001346900.2); c.1963G>C, p.Glu655Gln (NM_001346941.2); c.2764G>C (NM_005228.3); short protein forms E869Q, E922Q, E877Q, E655Q.
Identifiers: ClinVar variation 1431290 (VCV001431290.7), dbSNP rs961150162, ClinGen allele CA367581306.
Genomic context (GRCh38, chr7:55,198,779, plus strand): 5'-GTGACTGTTTGGGAGTTGATGACCTTTGGATCCAAGCCATATGACGGAATCCCTGCCAGC[G>C]AGATCTCCTCCATCCTGGAGAAAGGAGAACGCCTCCCTCAGCCACCCATATGTACCATCG-3'
Protein context (NP_005219.2, residues 912-932): SKPYDGIPAS[Glu922Gln]ISSILEKGER